The following is an entry in ClinVar:

ClinVar aggregate classification (germline): Pathogenic (1 of 4 stars; one submission).

Submission:

Labcorp Genetics (formerly Invitae), Labcorp
Classification: Pathogenic. Last evaluated: 2021-09-04. Review status: criteria provided, single submitter. Criteria: Invitae Variant Classification Sherloc (09022015). Collection method: clinical testing. Allele origin: germline.
Comment: This sequence change creates a premature translational stop signal (p.Tyr267Leufs*4) in the TGM1 gene. It is expected to result in an absent or disrupted protein product. Loss-of-function variants in TGM1 are known to be pathogenic (PMID: 18948357, 19241467). This variant is not present in population databases (ExAC no frequency). This variant has not been reported in the literature in individuals affected with TGM1-related conditions. For these reasons, this variant has been classified as Pathogenic.

Literature cited by the submitters: PubMed 18948357; PubMed 19241467.

NM_000359.3(TGM1):c.799dup (p.Tyr267fs)

Gene: TGM1 (transglutaminase 1; minus strand). Cytogenetic location: 14q12.
Variant type: Duplication.
Coding change: c.799dup on transcript NM_000359.3 (MANE Select); coding-DNA position 799, one base duplicated (T; older notation c.799dupT).
Protein change: p.Tyr267fs; shifts the reading frame from tyrosine 267.
Molecular consequence: frameshift variant.
Genome position (GRCh38, 1-based): chr14:24,260,017, A duplicated on the plus strand (T on the coding strand, the reverse complement: TGM1 is on the minus strand). VCF-style (leftmost placement, unchanged base first): chr14-24260016-T-TA. GRCh37 (hg19) VCF-style: chr14-24729222-T-TA.
Other names: short protein forms Y267fs.
Identifiers: ClinVar variation 1416950 (VCV001416950.6), dbSNP rs2139025384, ClinGen allele CA2573149814.